The following is an entry in ClinVar:

ClinVar aggregate classification (germline): Uncertain significance. Review status: criteria provided, multiple submitters, no conflicts (2 of 4 stars). 2 submissions from 2 submitters: Uncertain significance (2). Last evaluated 2025-04-24.

Conditions:
Inborn genetic diseases. Identifiers: MedGen C0950123, MeSH D030342.
Diffuse cerebral and cerebellar atrophy - intractable seizures - progressive microcephaly syndrome. Also called: Microcephaly, progressive, with seizures and cerebral and cerebellar atrophy. Identifiers: Orphanet 404437, MedGen C4014239, MONDO:0014335, OMIM 615760.

gnomAD v4.1: 1 of 1,612,834 alleles (0.000062%); highest among the groups gnomAD compares: East Asian, 0.0022%; no homozygotes.

Submissions (2):

Ambry Genetics
Classification: Uncertain significance for Inborn genetic diseases. Last evaluated: 2025-04-24. Review status: criteria provided, single submitter. Criteria: Ambry Variant Classification Scheme 2023. Collection method: clinical testing. Allele origin: germline.

Labcorp Genetics (formerly Invitae), Labcorp
Classification: Uncertain significance for Diffuse cerebral and cerebellar atrophy - intractable seizures - progressive microcephaly syndrome. Last evaluated: 2022-06-13. Review status: criteria provided, single submitter. Criteria: Invitae Variant Classification Sherloc (09022015). Collection method: clinical testing. Allele origin: germline.
Comment: This variant has not been reported in the literature in individuals affected with QARS-related conditions. Algorithms developed to predict the effect of missense changes on protein structure and function are either unavailable or do not agree on the potential impact of this missense change (SIFT: "Tolerated"; PolyPhen-2: "Probably Damaging"; Align-GVGD: "Class C0"). In summary, the available evidence is currently insufficient to determine the role of this variant in disease. Therefore, it has been classified as a Variant of Uncertain Significance. This variant is not present in population databases (gnomAD no frequency). This sequence change replaces leucine, which is neutral and non-polar, with valine, which is neutral and non-polar, at codon 9 of the QARS protein (p.Leu9Val).

NM_005051.3(QARS1):c.25C>G (p.Leu9Val)

Genes: QARS1 (glutaminyl-tRNA synthetase 1; minus strand), LOC129936736 (ATAC-STARR-seq lymphoblastoid active region 19853; plus strand). Cytogenetic location: 3p21.31.
Variant type: single nucleotide variant.
Coding change: c.25C>G on transcript NM_005051.3 (MANE Select); coding-DNA position 25, C replaced by G.
Protein change: p.Leu9Val; replaces leucine 9 with valine.
Molecular consequence: missense variant. On other transcripts: non-coding transcript variant (1).
Genome position (GRCh38, 1-based): chr3:49,104,709, G>C on the plus strand (C>G on the coding strand, the complement: QARS1 is on the minus strand). VCF-style: chr3-49104709-G-C. GRCh37 (hg19) VCF-style: chr3-49142142-G-C.
Other names: c.25C>G, p.Leu9Val (NM_001272073.2); c.25C>G (NM_005051.1); short protein forms L9V.
Identifiers: ClinVar variation 1430586 (VCV001430586.8), dbSNP rs62621067, ClinGen allele CA352724264.